The following is an entry in ClinVar:

ClinVar aggregate classification (germline): Conflicting classifications of pathogenicity. Review status: criteria provided, conflicting classifications (1 of 4 stars). 13 submissions from 9 submitters: Uncertain significance (9); Benign (2); Likely benign (1). 1 of the submissions does not count toward it. Last evaluated 2023-01-04.

Conditions:
Autosomal recessive limb-girdle muscular dystrophy type 2J (LGMDR10). Also called: MUSCULAR DYSTROPHY, LIMB-GIRDLE, AUTOSOMAL RECESSIVE 10; Limb-girdle muscular dystrophy, type 2J. Identifiers: Orphanet 140922, MedGen C1837342, MONDO:0012127, OMIM 608807.
Dilated cardiomyopathy 1G (CMD1G). Identifiers: Orphanet 154, MedGen C1858763, MONDO:0011400, OMIM 604145.
Cardiomyopathy (CMYO). Also called: Cardiomyopathies. Identifiers: Orphanet 167848, MedGen C0878544, MONDO:0004994, HP:0001638. Inheritance: Various modes of inheritance.
Early-onset myopathy with fatal cardiomyopathy (CMYO5). Also called: CONGENITAL MYOPATHY 5 WITH CARDIOMYOPATHY; Salih Myopathy. Identifiers: Orphanet 289377, MedGen C2673677, MONDO:0012714, OMIM 611705. Disease mechanism: loss of function.
Myopathy, myofibrillar, 9, with early respiratory failure (MFM9). Also called: Myopathy, distal, with early respiratory failure, autosomal dominant; EDSTROM MYOPATHY; MYOPATHY, PROXIMAL, WITH EARLY RESPIRATORY MUSCLE INVOLVEMENT; Hereditary myopathy with early respiratory failure. Identifiers: Orphanet 178464, Orphanet 34521, MedGen C1863599, MONDO:0011362, OMIM 603689.
Tibial muscular dystrophy (TMD). Also called: Tibial muscular dystrophy, tardive; Udd Distal Myopathy – Tibial Muscular Dystrophy; UDD MYOPATHY. Identifiers: Orphanet 609, MedGen C1838244, MONDO:0010870, OMIM 600334.
Tip-toe gait. Also called: Toe walking. Identifiers: MedGen C0427144, HP:0030051.

Allele frequency attached by ClinVar (database versions not stated): ESP Exome Variant Server 0.00008; TOPMed 0.00010; ExAC 0.00011; gnomAD 0.00011 and 0.00012; gnomAD exomes 0.00011 and 0.00013.
gnomAD v4.1: 198 of 1,613,012 alleles (0.012%); highest among the groups gnomAD compares: Non-Finnish European, 0.016%; no homozygotes.

Submissions (13):

Revvity Omics, Revvity
Classification: Uncertain significance. Last evaluated: 2023-01-04. Review status: criteria provided, single submitter. Criteria: ACMG Guidelines, 2015. Collection method: clinical testing. Allele origin: germline.

CHEO Genetics Diagnostic Laboratory, Children's Hospital of Eastern Ontario
Classification: Uncertain significance for Cardiomyopathy. Last evaluated: 2021-07-14. Review status: criteria provided, single submitter. Criteria: ACMG Guidelines, 2015. Collection method: clinical testing. Allele origin: germline.

ARUP Laboratories, Molecular Genetics and Genomics, ARUP Laboratories
Classification: Uncertain significance. Last evaluated: 2020-02-18. Review status: criteria provided, single submitter. Criteria: ARUP Molecular Germline Variant Investigation Process. Collection method: clinical testing. Allele origin: germline.
Comment: The TTN c.25126C>T; p.Pro8376Ser variant (rs375209098; ClinVar Variation ID: 179054) is rare in the general population (<1% allele frequency in the Genome Aggregation Database) and has not been reported in the medical literature in association with dilated cardiomyopathy (DCM) or other TTN-related disease. The clinical relevance of rare missense variants in this gene, which are identified on average once per individual sequenced in affected populations (Herman 2012), is not well understood. Yet, evidence suggests that the vast majority of such missense variants do not contribute to the clinical outcome of DCM (Begay 2015). Thus, the clinical significance of the p.Pro8376Ser variant cannot be determined with certainty. References: Begay RL et al. Role of Titin Missense Variants in Dilated Cardiomyopathy. J Am Heart Assoc. 2015 Nov 13;4(11). Herman DS et al. Truncations of titin causing dilated cardiomyopathy. N Engl J Med. 2012 Feb 16;366(7):619-28. Linke WA and Hamdani N. Gigantic business: titin properties and function through thick and thin. Circ Res 2014; 114(6): 1052-1068.

GeneDx
Classification: Likely benign. Last evaluated: 2019-06-21. Review status: criteria provided, single submitter. Criteria: GeneDx Variant Classification Process June 2021. Collection method: clinical testing. Allele origin: germline. Affected: yes.

Illumina Laboratory Services, Illumina
Classification: Uncertain significance for Early-onset myopathy with fatal cardiomyopathy. Last evaluated: 2018-01-12. Review status: criteria provided, single submitter. Criteria: ICSL Variant Classification Criteria 13 December 2019. Collection method: clinical testing. Allele origin: germline.

Illumina Laboratory Services, Illumina
Classification: Benign for Tibial muscular dystrophy. Last evaluated: 2018-01-12. Review status: criteria provided, single submitter. Criteria: ICSL Variant Classification Criteria 13 December 2019. Collection method: clinical testing. Allele origin: germline.
Comment: This variant was observed in the ICSL laboratory as part of a predisposition screen in an ostensibly healthy population. It had not been previously curated by ICSL or reported in the Human Gene Mutation Database (HGMD: prior to June 1st, 2018), and was therefore a candidate for classification through an automated scoring system. Utilizing variant allele frequency, disease prevalence and penetrance estimates, and inheritance mode, an automated score was calculated to assess if this variant is too frequent to cause the disease. Based on the score and internal cut-off values, a variant classified as benign is not then subjected to further curation. The score for this variant resulted in a classification of benign for this disease.

Illumina Laboratory Services, Illumina
Classification: Uncertain significance for Autosomal recessive limb-girdle muscular dystrophy type 2J. Last evaluated: 2018-01-12. Review status: criteria provided, single submitter. Criteria: ICSL Variant Classification Criteria 13 December 2019. Collection method: clinical testing. Allele origin: germline.

Illumina Laboratory Services, Illumina
Classification: Benign for Myopathy, myofibrillar, 9, with early respiratory failure. Last evaluated: 2018-01-12. Review status: criteria provided, single submitter. Criteria: ICSL Variant Classification Criteria 13 December 2019. Collection method: clinical testing. Allele origin: germline.
Comment: the same text as in the submission from Illumina Laboratory Services, Illumina above.

Illumina Laboratory Services, Illumina
Classification: Uncertain significance for Dilated cardiomyopathy 1G. Last evaluated: 2018-01-12. Review status: criteria provided, single submitter. Criteria: ICSL Variant Classification Criteria 13 December 2019. Collection method: clinical testing. Allele origin: germline.

Eurofins Ntd Llc (ga)
Classification: Uncertain significance. Last evaluated: 2017-11-27. Review status: criteria provided, single submitter. Criteria: EGL Classification Definitions 2015. Collection method: clinical testing. Allele origin: germline. Observed: 4 variant alleles, 4 heterozygotes.

Labcorp Genetics (formerly Invitae), Labcorp
Classification: Uncertain significance for Dilated cardiomyopathy 1G; Autosomal recessive limb-girdle muscular dystrophy type 2J. Last evaluated: 2017-07-27. Review status: criteria provided, single submitter. Criteria: Invitae Variant Classification Sherloc (09022015). Collection method: clinical testing. Allele origin: germline.

Laboratory for Molecular Medicine, Mass General Brigham Personalized Medicine
Classification: Uncertain significance. Last evaluated: 2013-10-10. Review status: criteria provided, single submitter. Criteria: LMM Criteria. Collection method: clinical testing. Allele origin: germline. Observed: 1 variant allele.
Comment: The Pro7132Ser variant in TTN has not been previously reported in individuals wi th cardiomyopathy, but has been identified in 1/8208 European American chromosom es tested by the NHLBI Exome Sequencing Project (S/). Computational analyses (biochemical amino acid properties, conservation, Al ignGVGD, PolyPhen2, and SIFT) do not provide strong support for or against an im pact to the protein. Additional information is needed to fully assess the clinic al significance of this variant.

Practice for Gait Abnormalities, David Pomarino, Competency Network Toe Walking C/o Practice Pomarino
Classification: Likely pathogenic for Tip-toe gait. Review status: no assertion criteria provided. Collection method: clinical testing. Allele origin: germline. Affected: yes. Not counted in ClinVar's aggregate classification.
Comment: Myopathy refers to diseases that affect skeletal Muscles. These diseases attack muscle fibers, making muscles weak. Inherited myopathies are often caused by inheriting an abnormal gene mutation from a parent that causes the disease. Symptoms of congenital myopathies usually start at birth or in early childhood, but may not appear until the teen years or even later in adulthood. Congenital myopathies are somewhat unique compared with other inherited myopathies, as weakness typically affects all muscles and is often not progressive. Symptoms are: Muscle weakness, most commonly of upper arms and shoulders and thighs, muscle cramps, stiffness and spasms, fatigue with exertion and lack of energy. Our patients all walk on tiptoe, so they show similar symptoms. When we genetically test them with our toe walking panel, we find that around 90 per cent of them have a genetic variant that explains their toe walking. These can be assigned, for example, to the area of myopathies (such as variants of the COL6A3 gene), the area of hereditary neuropathies (such as variants of the KMT2C gene) or the area of metabolic diseases (such as variants of the PYGM gene). In a smaller group of patients with almost identical symptoms, no abnormality is found in the genes of our panel, but spastic paraplegia can be detected. In another small group of our toe walkers, no abnormalities can be detected in the genes analysed in our toe walking panel, nor do they suffer from spastic paraplegia, as is also the case with healthy children. In contrast to these, however, they show a tiptoe gait. These patients suffer from infantile cerebral palsy, in which toe walking can also be observed.

Literature cited by the submitters: PubMed 37091313 (cited by Practice for Gait Abnormalities, David Pomarino, Competency Network Toe Walking C/o Practice Pomarino).

NM_001267550.2(TTN):c.25126C>T (p.Pro8376Ser)

Gene: TTN (titin; minus strand). Cytogenetic location: 2q31.2.
Variant type: single nucleotide variant.
Coding change: c.25126C>T on transcript NM_001267550.2 (MANE Select); coding-DNA position 25126, C replaced by T.
Protein change: p.Pro8376Ser; replaces proline 8376 with serine.
Molecular consequence: missense variant. On other transcripts: intron variant (3).
Genome position (GRCh38, 1-based): chr2:178,717,748, G>A on the plus strand (C>T on the coding strand, the complement: TTN is on the minus strand). VCF-style: chr2-178717748-G-A. GRCh37 (hg19) VCF-style: chr2-179582475-G-A.
Other names: c.21394C>T, p.Pro7132Ser (NM_133378.4); c.24175C>T, p.Pro8059Ser (NM_001256850.1); c.13282+20334C>T (NM_003319.4); c.13858+20334C>T (NM_133437.4); c.13657+20334C>T (NM_133432.3); short protein forms P7132S, P8376S, P8059S.
Identifiers: ClinVar variation 179054 (VCV000179054.30), dbSNP rs375209098, ClinGen allele CA183632.